The following is an entry in ClinVar:

ClinVar aggregate classification (germline): Uncertain significance (1 of 4 stars; one submission).

Submission:

Labcorp Genetics (formerly Invitae), Labcorp
Classification: Uncertain significance. Last evaluated: 2024-01-20. Review status: criteria provided, single submitter. Criteria: Invitae Variant Classification Sherloc (09022015). Collection method: clinical testing. Allele origin: germline.
Comment: This sequence change replaces lysine, which is basic and polar, with glutamic acid, which is acidic and polar, at codon 205 of the TOP1MT protein (p.Lys205Glu). This variant is not present in population databases (gnomAD no frequency). This variant has not been reported in the literature in individuals affected with TOP1MT-related conditions. Advanced modeling of protein sequence and biophysical properties (such as structural, functional, and spatial information, amino acid conservation, physicochemical variation, residue mobility, and thermodynamic stability) performed at Invitae indicates that this missense variant is expected to disrupt TOP1MT protein function with a positive predictive value of 80%. In summary, the available evidence is currently insufficient to determine the role of this variant in disease. Therefore, it has been classified as a Variant of Uncertain Significance.

NM_052963.3(TOP1MT):c.613A>G (p.Lys205Glu)

Gene: TOP1MT (DNA topoisomerase I mitochondrial; minus strand). Cytogenetic location: 8q24.3.
Variant type: single nucleotide variant.
Coding change: c.613A>G on transcript NM_052963.3 (MANE Select); coding-DNA position 613, A replaced by G.
Protein change: p.Lys205Glu; replaces lysine 205 with glutamic acid.
Molecular consequence: missense variant.
Genome position (GRCh38, 1-based): chr8:143,325,404, T>C on the plus strand (A>G on the coding strand, the complement: TOP1MT is on the minus strand). VCF-style: chr8-143325404-T-C. GRCh37 (hg19) VCF-style: chr8-144407574-T-C.
Other names: c.319A>G, p.Lys107Glu (NM_001258446.1, NM_001258447.1); short protein forms K107E, K205E.
Identifiers: ClinVar variation 2873419 (VCV002873419.3), dbSNP rs971506466, ClinGen allele CA187533366.